The following is an entry in ClinVar:

NM_004434.3(EML1):c.519-9T>C

Gene: EML1 (EMAP like 1; plus strand). Cytogenetic location: 14q32.2.
Variant type: single nucleotide variant.
Coding change: c.519-9T>C on transcript NM_004434.3 (MANE Select); 9 bases into the intron before coding-DNA position 519, T replaced by C.
Molecular consequence: intron variant.
Genome position (GRCh38, 1-based): chr14:99,891,190, T>C. VCF-style: chr14-99891190-T-C. GRCh37 (hg19) VCF-style: chr14-100357527-T-C.
Other names: c.480-9T>C (NM_001375411.1); c.576-9T>C (NM_001008707.2); c.519-9T>C (NM_001375412.1).
Identifiers: ClinVar variation 3052392 (VCV003052392.2), dbSNP rs2548849122, ClinGen allele CA2740097208.

ClinVar aggregate classification (germline): Likely benign (0 of 4 stars; one submission).

Conditions:
EML1-related disorder. Also called: EML1-related condition.

Submission:

PreventionGenetics, part of Exact Sciences
Classification: Likely benign for EML1-related condition. Last evaluated: 2022-11-17. Review status: no assertion criteria provided. Collection method: clinical testing. Allele origin: germline.
Comment: This variant is classified as likely benign based on ACMG/AMP sequence variant interpretation guidelines (Richards et al. 2015 PMID: 25741868, with internal and published modifications).